The following is an entry in ClinVar:

ClinVar aggregate classification (germline): Benign/Likely benign. Review status: criteria provided, multiple submitters, no conflicts (2 of 4 stars). 3 submissions from 3 submitters: Benign (2); Likely benign (1). Last evaluated 2023-01-01.

Allele frequency attached by ClinVar (database versions not stated): 1000 Genomes Project 0.00140; 1000 Genomes Project 30x 0.00141; TOPMed 0.00323; gnomAD 0.00332 and 0.00350; ESP Exome Variant Server 0.00447; gnomAD exomes 0.00455; ExAC 0.00638.
gnomAD v4.1: 8,200 of 1,599,994 alleles (0.51%); highest among the groups gnomAD compares: South Asian, 0.87%; 34 homozygotes.

Submissions (3):

CeGaT Center for Human Genetics Tuebingen
Classification: Likely benign. Last evaluated: 2023-01-01. Review status: criteria provided, single submitter. Criteria: CeGaT Center For Human Genetics Tuebingen Variant Classification Criteria Version 2. Collection method: clinical testing. Allele origin: germline. Affected: yes. Observed: 1 variant allele.
Comment: IQSEC3: BP4, BP7, BS2

Labcorp Genetics (formerly Invitae), Labcorp
Classification: Benign. Last evaluated: 2019-12-31. Review status: criteria provided, single submitter. Criteria: Invitae Variant Classification Sherloc (09022015). Collection method: clinical testing. Allele origin: germline.

Breakthrough Genomics
Classification: Benign. Review status: criteria provided, single submitter. Criteria: ACMG Guidelines, 2015. Collection method: not provided. Allele origin: germline. Inheritance: Unknown mechanism. Affected: yes.

NM_001170738.2(IQSEC3):c.1107G>A (p.Ala369=)

Genes: IQSEC3 (IQ motif and Sec7 domain ArfGEF 3; plus strand), IQSEC3-AS3 (IQSEC3 antisense RNA 3; minus strand). Cytogenetic location: 12p13.33.
Variant type: single nucleotide variant.
Coding change: c.1107G>A on transcript NM_001170738.2 (MANE Select); coding-DNA position 1107, G replaced by A.
Protein change: p.Ala369=; no amino-acid change (alanine 369 retained).
Molecular consequence: synonymous variant.
Genome position (GRCh38, 1-based): chr12:138,470, G>A. VCF-style: chr12-138470-G-A. GRCh37 (hg19) VCF-style: chr12-247636-G-A.
Other names: c.198G>A, p.Ala66= (NM_015232.2).
Identifiers: ClinVar variation 717712 (VCV000717712.29), dbSNP rs143025838, ClinGen allele CA6376226.